The following is an entry in ClinVar:

NM_000297.4(PKD2):c.514G>T (p.Asp172Tyr)

Genes: PKD2 (polycystin 2, transient receptor potential cation channel; plus strand), LOC129992813 (ATAC-STARR-seq lymphoblastoid silent region 15559; plus strand). Cytogenetic location: 4q22.1.
Variant type: single nucleotide variant.
Coding change: c.514G>T on transcript NM_000297.4 (MANE Select); coding-DNA position 514, G replaced by T.
Protein change: p.Asp172Tyr; replaces aspartic acid 172 with tyrosine.
Molecular consequence: missense variant. On other transcripts: non-coding transcript variant (1).
Genome position (GRCh38, 1-based): chr4:88,008,247, G>T. VCF-style: chr4-88008247-G-T. GRCh37 (hg19) VCF-style: chr4-88929399-G-T.
Other names: short protein forms D172Y.
Identifiers: ClinVar variation 350017 (VCV000350017.13), dbSNP rs886059698, ClinGen allele CA10621928.

ClinVar aggregate classification (germline): Uncertain significance. Review status: criteria provided, multiple submitters, no conflicts (2 of 4 stars). 5 submissions from 5 submitters: Uncertain significance (5). Last evaluated 2025-06-10.

Conditions:
Polycystic kidney disease 2 (PKD2). Also called: POLYCYSTIC KIDNEY DISEASE 2 WITH OR WITHOUT POLYCYSTIC LIVER DISEASE; Polycystic Kidney Disease 2, Autosomal Dominant; POLYCYSTIC KIDNEY DISEASE, ADULT, TYPE II. Identifiers: MedGen C2751306, MONDO:0013131, OMIM 613095.
Inborn genetic diseases. Identifiers: MedGen C0950123, MeSH D030342.
Autosomal dominant polycystic kidney disease. Identifiers: Orphanet 730, MedGen C0085413, MONDO:0004691.

Allele frequency attached by ClinVar (database versions not stated): gnomAD exomes 0.00001; gnomAD 0.00004; TOPMed 0.00006.
gnomAD v4.1: 28 of 1,459,004 alleles (0.0019%); highest among the groups gnomAD compares: Non-Finnish European, 0.0025%; 1 homozygote.

Submissions (5):

Ambry Genetics
Classification: Uncertain significance for Inborn genetic diseases. Last evaluated: 2025-06-10. Review status: criteria provided, single submitter. Criteria: Ambry Variant Classification Scheme 2023. Collection method: clinical testing. Allele origin: germline.

Labcorp Genetics (formerly Invitae), Labcorp
Classification: Uncertain significance for Autosomal dominant polycystic kidney disease. Last evaluated: 2025-04-07. Review status: criteria provided, single submitter. Criteria: Invitae Variant Classification Sherloc (09022015). Collection method: clinical testing. Allele origin: germline.
Comment: This sequence change replaces aspartic acid, which is acidic and polar, with tyrosine, which is neutral and polar, at codon 172 of the PKD2 protein (p.Asp172Tyr). This variant is present in population databases (no rsID available, gnomAD 0.004%). This variant has not been reported in the literature in individuals affected with PKD2-related conditions. ClinVar contains an entry for this variant (Variation ID: 350017). An algorithm developed to predict the effect of missense changes on protein structure and function (PolyPhen-2) suggests that this variant is likely to be tolerated. In summary, the available evidence is currently insufficient to determine the role of this variant in disease. Therefore, it has been classified as a Variant of Uncertain Significance.

Blueprint Genetics
Classification: Uncertain significance. Last evaluated: 2024-05-20. Review status: criteria provided, single submitter. Criteria: ACMG Guidelines, 2015. Collection method: clinical testing. Allele origin: germline.

Fulgent Genetics
Classification: Uncertain significance for Polycystic kidney disease 2. Last evaluated: 2024-01-22. Review status: criteria provided, single submitter. Criteria: ACMG Guidelines, 2015. Collection method: clinical testing. Allele origin: germline.

Illumina Laboratory Services, Illumina
Classification: Uncertain significance for Polycystic kidney disease 2. Last evaluated: 2018-01-13. Review status: criteria provided, single submitter. Criteria: ICSL Variant Classification Criteria 13 December 2019. Collection method: clinical testing. Allele origin: germline.